The following is an entry in ClinVar:

ClinVar aggregate classification (germline): Pathogenic (1 of 4 stars; one submission).

Conditions:
Juvenile polyposis syndrome (JPS). Identifiers: Orphanet 2929, MedGen C0345893, MONDO:0017380, OMIM 174900.

Submission:

Labcorp Genetics (formerly Invitae), Labcorp
Classification: Pathogenic for Juvenile polyposis syndrome. Last evaluated: 2025-05-26. Review status: criteria provided, single submitter. Criteria: Invitae Variant Classification Sherloc (09022015). Collection method: clinical testing. Allele origin: germline.
Comment: This sequence change creates a premature translational stop signal (p.Ser185Glnfs*23) in the BMPR1A gene. It is expected to result in an absent or disrupted protein product. Loss-of-function variants in BMPR1A are known to be pathogenic (PMID: 11536076, 12417513). This variant is not present in population databases (gnomAD no frequency). This variant has not been reported in the literature in individuals affected with BMPR1A-related conditions. For these reasons, this variant has been classified as Pathogenic.

Literature cited by the submitters: PubMed 11536076; PubMed 12417513.

NM_004329.3(BMPR1A):c.550_551dup (p.Ser185fs)

Gene: BMPR1A (bone morphogenetic protein receptor type 1A; plus strand). Cytogenetic location: 10q23.2.
Variant type: Microsatellite.
Coding change: c.550_551dup on transcript NM_004329.3 (MANE Select); coding-DNA positions 550 to 551, 2 bases duplicated (TC; older notation c.550_551dupTC).
Protein change: p.Ser185fs; shifts the reading frame from serine 185.
Molecular consequence: frameshift variant. On other transcripts: non-coding transcript variant (3), intron variant (1).
Genome position (GRCh38, 1-based): chr10:86,912,259-86,912,260, TC duplicated; duplicating any 2 consecutive bases within chr10:86,912,257-86,912,260 gives the same sequence; the c. name uses the placement nearest the transcript's 3' end. VCF-style (leftmost placement, unchanged base first): chr10-86912256-A-ATC. GRCh37 (hg19) VCF-style: chr10-88672013-A-ATC.
Other names: c.625_626dup, p.Ser210fs (NM_001406559.1); c.598_599dup, p.Ser201fs (NM_001406560.1); c.550_551dup, p.Ser185fs (NM_001406561.1, NM_001406571.1, NM_001406572.1 and 20 more transcripts); c.466_467dup, p.Ser157fs (NM_001406584.1, NM_001406585.1, NM_001406586.1 and 2 more transcripts); c.334-4877TC[3] (NM_001406589.1); short protein forms S157fs, S185fs, S201fs, S210fs.
Identifiers: ClinVar variation 4720238 (VCV004720238.1).